The following is an entry in ClinVar:

NM_133497.4(KCNV2):c.921G>A (p.Met307Ile)

Gene: KCNV2 (potassium voltage-gated channel modifier subfamily V member 2; plus strand). Cytogenetic location: 9p24.2.
Variant type: single nucleotide variant.
Coding change: c.921G>A on transcript NM_133497.4 (MANE Select); coding-DNA position 921, G replaced by A.
Protein change: p.Met307Ile; replaces methionine 307 with isoleucine.
Molecular consequence: missense variant.
Genome position (GRCh38, 1-based): chr9:2,718,660, G>A. VCF-style: chr9-2718660-G-A. GRCh37 (hg19) VCF-style: chr9-2718660-G-A.
Other names: short protein forms M307I.
Identifiers: ClinVar variation 954273 (VCV000954273.10), dbSNP rs773605970, ClinGen allele CA4965684.

ClinVar aggregate classification (germline): Uncertain significance. Review status: criteria provided, multiple submitters, no conflicts (2 of 4 stars). 2 submissions from 2 submitters: Uncertain significance (2). Last evaluated 2022-06-09.

Allele frequency attached by ClinVar (database versions not stated): gnomAD 0.00001; gnomAD exomes 0.00001 and 0.00002; TOPMed 0.00002; ExAC 0.00003.
gnomAD v4.1: 19 of 1,613,262 alleles (0.0012%); highest among the groups gnomAD compares: Admixed American, 0.0017%; no homozygotes.

Submissions (2):

Labcorp Genetics (formerly Invitae), Labcorp
Classification: Uncertain significance. Last evaluated: 2022-06-09. Review status: criteria provided, single submitter. Criteria: Invitae Variant Classification Sherloc (09022015). Collection method: clinical testing. Allele origin: germline.
Comment: In summary, the available evidence is currently insufficient to determine the role of this variant in disease. Therefore, it has been classified as a Variant of Uncertain Significance. Algorithms developed to predict the effect of missense changes on protein structure and function (SIFT, PolyPhen-2, Align-GVGD) all suggest that this variant is likely to be tolerated. ClinVar contains an entry for this variant (Variation ID: 954273). This variant has not been reported in the literature in individuals affected with KCNV2-related conditions. This variant is present in population databases (rs773605970, gnomAD 0.005%). This sequence change replaces methionine, which is neutral and non-polar, with isoleucine, which is neutral and non-polar, at codon 307 of the KCNV2 protein (p.Met307Ile).

Blueprint Genetics
Classification: Uncertain significance. Last evaluated: 2019-02-08. Review status: criteria provided, single submitter. Criteria: ACMG Guidelines, 2015. Collection method: clinical testing. Allele origin: germline.